The following is an entry in ClinVar:

ClinVar aggregate classification (germline): Benign/Likely benign. Review status: criteria provided, multiple submitters, no conflicts (2 of 4 stars). 7 submissions from 6 submitters: Benign (2); Likely benign (5). Last evaluated 2026-01-09.

Conditions:
Adams-Oliver syndrome 5 (AOS5). Identifiers: Orphanet 974, MedGen C4014970, MONDO:0014459, OMIM 616028.
Connective tissue disorder. Also called: Connective tissue disease. Identifiers: MedGen C0009782, MONDO:0003900.
Aortic valve disease 1 (AOVD1). Identifiers: MedGen C3887892, MONDO:0024523, OMIM 109730.

Allele frequency attached by ClinVar (database versions not stated): TOPMed 0.00027.
gnomAD v4.1: 141 of 1,612,096 alleles (0.0087%); highest among the groups gnomAD compares: Middle Eastern, 0.016%; no homozygotes.

Submissions (7):

Labcorp Genetics (formerly Invitae), Labcorp
Classification: Likely benign for Adams-Oliver syndrome 5. Last evaluated: 2026-01-09. Review status: criteria provided, single submitter. Criteria: Invitae Variant Classification Sherloc (09022015). Collection method: clinical testing. Allele origin: germline.

Blueprint Genetics
Classification: Likely benign. Last evaluated: 2024-08-01. Review status: criteria provided, single submitter. Criteria: ACMG Guidelines, 2015. Collection method: clinical testing. Allele origin: germline.

ARUP Laboratories, Molecular Genetics and Genomics, ARUP Laboratories
Classification: Likely benign. Last evaluated: 2024-02-07. Review status: criteria provided, single submitter. Criteria: ARUP Molecular Germline Variant Investigation Process 2024. Collection method: clinical testing. Allele origin: germline.

Genome-Nilou Lab
Classification: Benign for Adams-Oliver syndrome 5. Last evaluated: 2022-03-15. Review status: criteria provided, single submitter. Criteria: ACMG Guidelines, 2015. Collection method: clinical testing. Allele origin: germline. Affected: no.

Genome-Nilou Lab
Classification: Benign for Aortic valve disease 1. Last evaluated: 2022-03-15. Review status: criteria provided, single submitter. Criteria: ACMG Guidelines, 2015. Collection method: clinical testing. Allele origin: germline. Affected: no.

Center for Human Genetics, Inc
Classification: Likely benign for Connective tissue disorder. Last evaluated: 2018-06-01. Review status: criteria provided, single submitter. Criteria: ACMG Guidelines, 2015. Collection method: clinical testing. Allele origin: germline. Affected: yes.

GeneDx
Classification: Likely benign. Last evaluated: 2017-10-26. Review status: criteria provided, single submitter. Criteria: GeneDx Variant Classification (06012015). Collection method: clinical testing. Allele origin: germline. Affected: yes.
Comment: This variant is considered likely benign or benign based on one or more of the following criteria: it is a conservative change, it occurs at a poorly conserved position in the protein, it is predicted to be benign by multiple in silico algorithms, and/or has population frequency not consistent with disease.

NM_017617.5(NOTCH1):c.5472+19G>C

Gene: NOTCH1 (notch receptor 1; minus strand). Cytogenetic location: 9q34.3.
Variant type: single nucleotide variant.
Coding change: c.5472+19G>C on transcript NM_017617.5 (MANE Select); 19 bases into the intron after coding-DNA position 5472, G replaced by C.
Molecular consequence: intron variant.
Genome position (GRCh38, 1-based): chr9:136,501,982, C>G on the plus strand (G>C on the coding strand, the complement: NOTCH1 is on the minus strand). VCF-style: chr9-136501982-C-G. GRCh37 (hg19) VCF-style: chr9-139396434-C-G.
Other names: c.5472+19G>C (LRG_1122t1).
Identifiers: ClinVar variation 507063 (VCV000507063.11), dbSNP rs755674060, ClinGen allele CA5340253.